The following is an entry in ClinVar:

ClinVar aggregate classification (germline): Uncertain significance (1 of 4 stars; one submission).

Submission:

GeneDx
Classification: Uncertain significance. Last evaluated: 2025-01-07. Review status: criteria provided, single submitter. Criteria: GeneDx Variant Classification Process June 2021. Collection method: clinical testing. Allele origin: germline. Affected: yes.
Comment: Not observed at significant frequency in large population cohorts (gnomAD); In silico analysis supports that this missense variant has a deleterious effect on protein structure/function; Has not been previously published as pathogenic or benign to our knowledge

NM_024422.6(DSC2):c.278G>T (p.Ser93Ile)

Gene: DSC2 (desmocollin 2; minus strand). Cytogenetic location: 18q12.1.
Variant type: single nucleotide variant.
Coding change: c.278G>T on transcript NM_024422.6 (MANE Select); coding-DNA position 278, G replaced by T.
Protein change: p.Ser93Ile; replaces serine 93 with isoleucine.
Molecular consequence: missense variant. On other transcripts: 5 prime UTR variant (2).
Genome position (GRCh38, 1-based): chr18:31,092,177, C>A on the plus strand (G>T on the coding strand, the complement: DSC2 is on the minus strand). VCF-style: chr18-31092177-C-A. GRCh37 (hg19) VCF-style: chr18-28672140-C-A.
Other names: c.-152G>T (NM_001406506.1, NM_001406507.1); c.278G>T, p.Ser93Ile (NM_004949.5); short protein forms S93I.
Identifiers: ClinVar variation 4055799 (VCV004055799.1).
Genomic context (GRCh38, chr18:31,092,177, plus strand): 5'-AAAAAGACAAATATTTTCTTCTTTTCTTGGTTCTCAGTGTTGGAAAGTAATATGGTAAAA[C>A]TTCTCTTCTCCGAGGACAATAGAATAGTATTTGTTGTATAGACTGAACCATCCTCCAAAA-3'
Protein context (NP_077740.1, residues 83-103): NTILLSSEKR[Ser93Ile]FTILLSNTEN